The following is an entry in ClinVar:

NM_025179.4(PLXNA2):c.1231C>G (p.Gln411Glu)

Gene: PLXNA2 (plexin A2; minus strand). Cytogenetic location: 1q32.2.
Variant type: single nucleotide variant.
Coding change: c.1231C>G on transcript NM_025179.4 (MANE Select); coding-DNA position 1231, C replaced by G.
Protein change: p.Gln411Glu; replaces glutamine 411 with glutamic acid.
Molecular consequence: missense variant.
Genome position (GRCh38, 1-based): chr1:208,210,420, G>C on the plus strand (C>G on the coding strand, the complement: PLXNA2 is on the minus strand). VCF-style: chr1-208210420-G-C. GRCh37 (hg19) VCF-style: chr1-208383765-G-C.
Other names: short protein forms Q411E.
Identifiers: ClinVar variation 3348077 (VCV003348077.1).

ClinVar aggregate classification (germline): Uncertain significance (0 of 4 stars; one submission).

Conditions:
PLXNA2-related disorder. Also called: PLXNA2-related condition.

Submission:

PreventionGenetics, part of Exact Sciences
Classification: Uncertain significance for PLXNA2-related condition. Last evaluated: 2023-12-21. Review status: no assertion criteria provided. Collection method: clinical testing. Allele origin: germline.
Comment: The PLXNA2 c.1231C>G variant is predicted to result in the amino acid substitution p.Gln411Glu. To our knowledge, this variant has not been reported in the literature or in a large population database, indicating this variant is rare. At this time, the clinical significance of this variant is uncertain due to the absence of conclusive functional and genetic evidence.